The following is an entry in ClinVar:

ClinVar aggregate classification (germline): Benign/Likely benign. Review status: criteria provided, multiple submitters, no conflicts (2 of 4 stars). 4 submissions from 4 submitters: Benign (1); Likely benign (3). Last evaluated 2024-12-08.

Conditions:
Familial cancer of breast. Also called: hereditary breast carcinoma; Hereditary breast cancer; BREAST CANCER, FAMILIAL. Identifiers: Orphanet 227535, MedGen C0346153, MONDO:0016419, OMIM 114480. Disease mechanism: loss of function.
Ataxia-telangiectasia syndrome (AT). Also called: Cerebello-oculocutaneous telangiectasia; Immunodeficiency with ataxia telangiectasia; Ataxia-telangiectasia; Ataxia-telangiectasia, complementation group D; AT, COMPLEMENTATION GROUP C; ATAXIA-TELANGIECTASIA, COMPLEMENTATION GROUP A. Identifiers: Orphanet 100, MedGen C0004135, MONDO:0008840, OMIM 208900.
Hereditary cancer-predisposing syndrome. Also called: Tumor predisposition; Hereditary Cancer Syndrome; Neoplastic Syndromes, Hereditary; Hereditary neoplastic syndrome. Identifiers: Orphanet 140162, MedGen C0027672, MeSH D009386, MONDO:0015356.

Allele frequency attached by ClinVar (database versions not stated): gnomAD exomes below 0.00001.
gnomAD v4.1: 4 of 1,610,786 alleles (0.00025%); highest among the groups gnomAD compares: Non-Finnish European, 0.00034%; no homozygotes.

Submissions (4):

Labcorp Genetics (formerly Invitae), Labcorp
Classification: Likely benign for Ataxia-telangiectasia syndrome. Last evaluated: 2024-12-08. Review status: criteria provided, single submitter. Criteria: Invitae Variant Classification Sherloc (09022015). Collection method: clinical testing. Allele origin: germline.

Myriad Genetics, Inc.
Classification: Benign for Familial cancer of breast. Last evaluated: 2024-04-25. Review status: criteria provided, single submitter. Criteria: Myriad Autosomal Dominant, Autosomal Recessive and X-Linked Classification Criteria (2023). Collection method: clinical testing. Allele origin: unknown.
Comment: This variant is considered benign. This variant is a silent/synonymous amino acid change and it is not expected to impact splicing.

Blueprint Genetics
Classification: Likely benign. Last evaluated: 2023-03-21. Review status: criteria provided, single submitter. Criteria: ACMG Guidelines, 2015. Collection method: clinical testing. Allele origin: germline.

Ambry Genetics
Classification: Likely benign for Hereditary cancer-predisposing syndrome. Last evaluated: 2016-03-28. Review status: criteria provided, single submitter. Criteria: Ambry Variant Classification Scheme 2023. Collection method: clinical testing. Allele origin: germline.

NM_000051.4(ATM):c.1089C>T (p.Ser363=)

Gene: ATM (ATM serine/threonine kinase; plus strand). Cytogenetic location: 11q22.3.
Variant type: single nucleotide variant.
Coding change: c.1089C>T on transcript NM_000051.4 (MANE Select); coding-DNA position 1089, C replaced by T.
Protein change: p.Ser363=; no amino-acid change (serine 363 retained).
Molecular consequence: synonymous variant.
Genome position (GRCh38, 1-based): chr11:108,248,956, C>T. VCF-style: chr11-108248956-C-T. GRCh37 (hg19) VCF-style: chr11-108119683-C-T.
Other names: c.1089C>T, p.Ser363= (NM_001351834.2).
Identifiers: ClinVar variation 482585 (VCV000482585.15), dbSNP rs1555069567, ClinGen allele CA476671658.